The following is an entry in ClinVar:

NM_000719.7(CACNA1C):c.6358C>T (p.Arg2120Trp)

Genes: CACNA1C (calcium voltage-gated channel subunit alpha1 C; plus strand), CACNA1C-AS1 (CACNA1C antisense RNA 1; minus strand). Cytogenetic location: 12p13.33.
Variant type: single nucleotide variant.
Coding change: c.6358C>T on transcript NM_000719.7 (MANE Select); coding-DNA position 6358, C replaced by T.
Protein change: p.Arg2120Trp; replaces arginine 2120 with tryptophan.
Molecular consequence: missense variant. On other transcripts: non-coding transcript variant (1).
Genome position (GRCh38, 1-based): chr12:2,691,140, C>T. VCF-style: chr12-2691140-C-T. GRCh37 (hg19) VCF-style: chr12-2800306-C-T.
Other names: c.6502C>T, p.Arg2168Trp (NM_001129827.2); c.6481C>T, p.Arg2161Trp (NM_001129829.2); c.6463C>T, p.Arg2155Trp (NM_001129830.3, NM_001167624.3); c.6442C>T, p.Arg2148Trp (NM_001129831.2); c.6418C>T, p.Arg2140Trp (NM_001129832.2); c.6415C>T, p.Arg2139Trp (NM_001129833.2, NM_001129834.2, NM_001129835.2); c.6409C>T, p.Arg2137Trp (NM_001129836.2); c.6382C>T, p.Arg2128Trp (NM_001129837.2, NM_001129838.2); and 6 more; short protein forms R2109W, R2126W, R2140W, R2148W, R2117W, R2128W, R2161W, R2168W.
Identifiers: ClinVar variation 4692047 (VCV004692047.1).

ClinVar aggregate classification (germline): Uncertain significance (1 of 4 stars; one submission).

Conditions:
Long QT syndrome (LQTS). Identifiers: MedGen C0023976, MeSH D008133, MONDO:0002442. Disease mechanism: loss of function. Inheritance: Various modes of inheritance.

gnomAD v4.1: 2 of 1,605,962 alleles (0.00012%); highest among the groups gnomAD compares: Non-Finnish European, 0.00017%; no homozygotes.

Submission:

Labcorp Genetics (formerly Invitae), Labcorp
Classification: Uncertain significance for Long QT syndrome. Last evaluated: 2025-08-03. Review status: criteria provided, single submitter. Criteria: Invitae Variant Classification Sherloc (09022015). Collection method: clinical testing. Allele origin: germline.
Comment: This sequence change replaces arginine, which is basic and polar, with tryptophan, which is neutral and slightly polar, at codon 2120 of the CACNA1C protein (p.Arg2120Trp). This variant is not present in population databases (gnomAD no frequency). This variant has not been reported in the literature in individuals affected with CACNA1C-related conditions. Invitae Evidence Modeling of protein sequence and biophysical properties (such as structural, functional, and spatial information, amino acid conservation, physicochemical variation, residue mobility, and thermodynamic stability) indicates that this missense variant is not expected to disrupt CACNA1C protein function with a negative predictive value of 95%. In summary, the available evidence is currently insufficient to determine the role of this variant in disease. Therefore, it has been classified as a Variant of Uncertain Significance.